The following is an entry in ClinVar:

NM_001563.4(IMPG1):c.2317-8_2317-3del

Gene: IMPG1 (interphotoreceptor matrix proteoglycan 1; minus strand). Cytogenetic location: 6q14.1.
Variant type: Deletion.
Coding change: c.2317-8_2317-3del on transcript NM_001563.4 (MANE Select); 8 bases into the intron before coding-DNA position 2317 through 3 bases into the intron before coding-DNA position 2317, 6 bases deleted (TCTTTC; older notation c.2317-8_2317-3delTCTTTC).
Molecular consequence: intron variant.
Genome position (GRCh38, 1-based): chr6:75,922,169-75,922,174, GAAAGA deleted on the plus strand (TCTTTC on the coding strand, the reverse complement: IMPG1 is on the minus strand); deleting any 6 consecutive bases within chr6:75,922,169-75,922,178 gives the same sequence; the c. name uses the placement nearest the transcript's 3' end. VCF-style (leftmost placement, unchanged base first): chr6-75922168-TGAAAGA-T. GRCh37 (hg19) VCF-style: chr6-76631885-TGAAAGA-T.
Other names: c.2083-8_2083-3del (NM_001282368.2).
Identifiers: ClinVar variation 1911491 (VCV001911491.5), dbSNP rs1385361851, ClinGen allele CA568154251.

ClinVar aggregate classification (germline): Uncertain significance (1 of 4 stars; one submission).

Submission:

Labcorp Genetics (formerly Invitae), Labcorp
Classification: Uncertain significance. Last evaluated: 2022-04-02. Review status: criteria provided, single submitter. Criteria: Invitae Variant Classification Sherloc (09022015). Collection method: clinical testing. Allele origin: germline.
Comment: This variant is present in population databases (no rsID available, gnomAD 0.02%). This sequence change falls in intron 16 of the IMPG1 gene. It does not directly change the encoded amino acid sequence of the IMPG1 protein. This variant has not been reported in the literature in individuals affected with IMPG1-related conditions. Algorithms developed to predict the effect of sequence changes on RNA splicing suggest that this variant may disrupt the consensus splice site. In summary, the available evidence is currently insufficient to determine the role of this variant in disease. Therefore, it has been classified as a Variant of Uncertain Significance.